The following is an entry in ClinVar:

ClinVar aggregate classification (germline): Uncertain significance (1 of 4 stars; one submission).

gnomAD v4.1: 18 of 1,612,966 alleles (0.0011%); highest among the groups gnomAD compares: Non-Finnish European, 0.0012%; no homozygotes.

Submission:

GeneDx
Classification: Uncertain significance. Last evaluated: 2024-10-21. Review status: criteria provided, single submitter. Criteria: GeneDx Variant Classification Process June 2021. Collection method: clinical testing. Allele origin: germline. Affected: yes.
Comment: Not observed at significant frequency in large population cohorts (gnomAD); Missense variant in a gene in which most reported pathogenic variants are truncating/loss of function; Has not been previously published as pathogenic or benign to our knowledge

NM_001267550.2(TTN):c.21367G>A (p.Gly7123Arg)

Genes: TTN (titin; minus strand), LOC126806428 (BRD4-independent group 4 enhancer GRCh37_chr2:179588362-179589561; plus strand). Cytogenetic location: 2q31.2.
Variant type: single nucleotide variant.
Coding change: c.21367G>A on transcript NM_001267550.2 (MANE Select); coding-DNA position 21367, G replaced by A.
Protein change: p.Gly7123Arg; replaces glycine 7123 with arginine.
Molecular consequence: missense variant. On other transcripts: intron variant (3).
Genome position (GRCh38, 1-based): chr2:178,723,892, C>T on the plus strand (G>A on the coding strand, the complement: TTN is on the minus strand). VCF-style: chr2-178723892-C-T. GRCh37 (hg19) VCF-style: chr2-179588619-C-T.
Other names: c.20416G>A, p.Gly6806Arg (NM_001256850.1); c.17635G>A, p.Gly5879Arg (NM_133378.4); c.13282+14190G>A (NM_003319.4); c.13858+14190G>A (NM_133437.4); c.13657+14190G>A (NM_133432.3); short protein forms G5879R, G6806R, G7123R.
Identifiers: ClinVar variation 3781016 (VCV003781016.1).
Genomic context (GRCh38, chr2:178,723,892, plus strand): 5'-TTACAAGTTTGACTGTCTACTGACCTTGTACAGTTAGCACTGCACGACATTCATCAGACC[C>T]AGCGACATTAGCAGCCACGCATGTGTAATTGCCCATATCTGAGGAATCCAGAGAATTCAA-3'
Protein context (NP_001254479.2, residues 7113-7133): NYTCVAANVA[Gly7123Arg]SDECRAVLTV